The following is an entry in ClinVar:

ClinVar aggregate classification (germline): Pathogenic. Review status: criteria provided, multiple submitters, no conflicts (2 of 4 stars). 3 submissions from 3 submitters: Pathogenic (2). 1 of the submissions does not count toward it. Last evaluated 2023-10-03.

Conditions:
Pyruvate dehydrogenase E1-alpha deficiency (PDHAD). Also called: ATAXIA, INTERMITTENT, WITH PYRUVATE DEHYDROGENASE DEFICIENCY; ATAXIA WITH LACTIC ACIDOSIS I; ATAXIA, INTERMITTENT, WITH ABNORMAL PYRUVATE METABOLISM; Ataxia, intermittent, with pyruvate dehydrogenase, or decarboxylase, deficiency. Identifiers: Orphanet 79243, MedGen C1839413, MONDO:0010717, OMIM 312170.

Submissions (3):

Labcorp Genetics (formerly Invitae), Labcorp
Classification: Pathogenic for Pyruvate dehydrogenase E1-alpha deficiency. Last evaluated: 2023-10-03. Review status: criteria provided, single submitter. Criteria: Invitae Variant Classification Sherloc (09022015). Collection method: clinical testing. Allele origin: germline.
Comment: This sequence change creates a premature translational stop signal (p.Glu347Aspfs*2) in the PDHA1 gene. While this is not anticipated to result in nonsense mediated decay, it is expected to disrupt the last 44 amino acid(s) of the PDHA1 protein. This variant is not present in population databases (gnomAD no frequency). This variant has not been reported in the literature in individuals affected with PDHA1-related conditions. ClinVar contains an entry for this variant (Variation ID: 452363). This variant disrupts a region of the PDHA1 protein in which other variant(s) (p.Ser388*) have been determined to be pathogenic (PMID: 7981697, 21846590, 21914562, 29756269). This suggests that this is a clinically significant region of the protein, and that variants that disrupt it are likely to be disease-causing. For these reasons, this variant has been classified as Pathogenic.

GeneDx
Classification: Pathogenic. Last evaluated: 2017-10-03. Review status: criteria provided, single submitter. Criteria: GeneDx Variant Classification (06012015). Collection method: clinical testing. Allele origin: germline. Affected: yes.
Comment: The c.1034_1037dupAGAT variant in the PDHA1 gene has not been reported previously as apathogenic variant nor as a benign variant, to our knowledge. The c.1034_1037dupAGAT variantcauses a frameshift starting with codon Glutamic acid 347, changes this amino acid to an Asparticacid residue, and creates a premature Stop codon at position 2 of the new reading frame, denotedp.Glu347AspfsX2. This variant is predicted to cause loss of normal protein function throughprotein truncation as the last 44 amino acids of the PDHA1 protein are lost and replaced by oneincorrect amino acid. The c.1034_1037dupAGAT variant is not observed in large populationcohorts (Lek et al., 2016).

PDHA1 Study Group, University Children’s Hospital, Paracelsus Medical University
Classification: Pathogenic for Pyruvate dehydrogenase E1-alpha deficiency. Last evaluated: 2024-10-15. Review status: no assertion criteria provided. Collection method: research. Allele origin: de novo. Affected: yes. Observed: 1 variant allele. Not counted in ClinVar's aggregate classification.
Comment: The NM_000284.3:c.1034_1037dup (p.Glu347AspfsTer2) change is a frameshift variant in PDHA1 gene. This variant is predicted to escape nonsense-mediated decay (NMD). Among them, 1 case had confirmed de novo occurrence. Last literature search: July 12, 2024. This variant is absent or extremely rare in population-based cohorts in the Genome Aggregation Database (gnomAD). Individuals harboring this variant presented with clinical features compatible with PDHA1-related PDHc deficiency. In summary, this variant meets criteria to be classified as pathogenic (P) for PDHA1-related PDHc deficiency based on the ACMG/AMP criteria applied: PVS1, PS2, PM2 (last assessment October 15, 2024).

Literature cited by the submitters: PubMed 7981697 (cited by Labcorp Genetics (formerly Invitae), Labcorp); PubMed 21846590 (cited by Labcorp Genetics (formerly Invitae), Labcorp); PubMed 21914562 (cited by Labcorp Genetics (formerly Invitae), Labcorp); PubMed 29756269 (cited by Labcorp Genetics (formerly Invitae), Labcorp); DOI 10.1093/brain/awaf430 (cited by PDHA1 Study Group, University Children’s Hospital, Paracelsus Medical University).

NM_000284.4(PDHA1):c.1034_1037dup (p.Glu347fs)

Gene: PDHA1 (pyruvate dehydrogenase E1 subunit alpha 1; plus strand). Cytogenetic location: Xp22.12.
Variant type: Duplication.
Coding change: c.1034_1037dup on transcript NM_000284.4 (MANE Select); coding-DNA positions 1034 to 1037, 4 bases duplicated (AGAT; older notation c.1034_1037dupAGAT).
Protein change: p.Glu347fs; shifts the reading frame from glutamic acid 347.
Molecular consequence: frameshift variant.
Genome position (GRCh38, 1-based): chrX:19,359,514-19,359,517, AGAT duplicated. VCF-style (leftmost placement, unchanged base first): chrX-19359513-G-GAGAT. GRCh37 (hg19) VCF-style: chrX-19377631-G-GAGAT.
Other names: c.1034_1037dup (NM_000284.3); c.1034_1037dupAGAT (NM_000284.3); c.1148_1151dup, p.Glu385fs (NM_001173454.2); c.1055_1058dup, p.Glu354fs (NM_001173455.2); c.941_944dup, p.Glu316fs (NM_001173456.2); short protein forms E347fs, E354fs, E316fs, E385fs.
Identifiers: ClinVar variation 452363 (VCV000452363.8), dbSNP rs1555935473, ClinGen allele CA658658932.